The following is an entry in ClinVar:

NM_000440.3(PDE6A):c.1263+1G>A

Gene: PDE6A (phosphodiesterase 6A; minus strand). Cytogenetic location: 5q32.
Variant type: single nucleotide variant.
Coding change: c.1263+1G>A on transcript NM_000440.3 (MANE Select); the canonical splice donor site of the intron after coding-DNA position 1263, G replaced by A.
Molecular consequence: splice donor variant.
Genome position (GRCh38, 1-based): chr5:149,899,374, C>T on the plus strand (G>A on the coding strand, the complement: PDE6A is on the minus strand). VCF-style: chr5-149899374-C-T. GRCh37 (hg19) VCF-style: chr5-149278937-C-T.
Other names: c.1020+1G>A (NM_001410788.1).
Identifiers: ClinVar variation 1453359 (VCV001453359.6), dbSNP rs369896113, ClinGen allele CA129072845.

ClinVar aggregate classification (germline): Pathogenic (1 of 4 stars; one submission).

gnomAD v4.1: 4 of 1,614,032 alleles (0.00025%); highest among the groups gnomAD compares: Non-Finnish European, 0.00034%; no homozygotes.

Submission:

Labcorp Genetics (formerly Invitae), Labcorp
Classification: Pathogenic. Last evaluated: 2024-10-26. Review status: criteria provided, single submitter. Criteria: Invitae Variant Classification Sherloc (09022015). Collection method: clinical testing. Allele origin: germline.
Comment: This sequence change affects a donor splice site in intron 9 of the PDE6A gene. It is expected to disrupt RNA splicing. Variants that disrupt the donor or acceptor splice site typically lead to a loss of protein function (PMID: 16199547), and loss-of-function variants in PDE6A are known to be pathogenic (PMID: 7493036, 22128245, 23847139). This variant is not present in population databases (gnomAD no frequency). Disruption of this splice site has been observed in individual(s) with retinitis pigmentosa (PMID: 33057649). In at least one individual the data is consistent with being in trans (on the opposite chromosome) from a pathogenic variant. ClinVar contains an entry for this variant (Variation ID: 1453359). Algorithms developed to predict the effect of sequence changes on RNA splicing suggest that this variant may disrupt the consensus splice site. For these reasons, this variant has been classified as Pathogenic.

Literature cited by the submitters: PubMed 16199547; PubMed 7493036; PubMed 22128245; PubMed 23847139; PubMed 33057649.